The following is an entry in ClinVar:

ClinVar aggregate classification (germline): Likely benign (1 of 4 stars; one submission).

gnomAD v4.1: 3 of 1,612,538 alleles (0.00019%); highest among the groups gnomAD compares: Non-Finnish European, 0.00025%; no homozygotes.

Submission:

CeGaT Center for Human Genetics Tuebingen
Classification: Likely benign. Last evaluated: 2025-04-01. Review status: criteria provided, single submitter. Criteria: CeGaT Center For Human Genetics Tuebingen Variant Classification Criteria Version 2. Collection method: clinical testing. Allele origin: germline. Affected: yes. Observed: 1 variant allele.
Comment: PHIP: BP4, BP7

NM_017934.7(PHIP):c.975C>T (p.Ile325=)

Gene: PHIP (PHIP subunit of CUL4-Ring ligase complex; minus strand). Cytogenetic location: 6q14.1.
Variant type: single nucleotide variant.
Coding change: c.975C>T on transcript NM_017934.7 (MANE Select); coding-DNA position 975, C replaced by T.
Protein change: p.Ile325=; no amino-acid change (isoleucine 325 retained).
Molecular consequence: synonymous variant.
Genome position (GRCh38, 1-based): chr6:79,019,108, G>A on the plus strand (C>T on the coding strand, the complement: PHIP is on the minus strand). VCF-style: chr6-79019108-G-A. GRCh37 (hg19) VCF-style: chr6-79728825-G-A.
Identifiers: ClinVar variation 3898481 (VCV003898481.7).
Genomic context (GRCh38, chr6:79,019,108, plus strand): 5'-TGAACAACTTTAAGTCGAAAATTAGAATGAGGGAAACTTACCAGCACTAAAAGAAGAACA[G>A]ATCATTTGAACTCCAGGCCGAGGGCGCTCTGTAAATTTTGCAGGTCTTGGGCTGTAATAC-3'
Protein context (NP_060404.4, residues 315-335): TERPRPGVQM[Ile325=]CSSFSAGGMF